The following is an entry in ClinVar:

NM_007186.6(CEP250):c.2531T>C (p.Leu844Ser)

Genes: CEP250 (centrosomal protein 250; plus strand), CEP250-AS1 (CEP250 antisense RNA 1; minus strand). Cytogenetic location: 20q11.22.
Variant type: single nucleotide variant.
Coding change: c.2531T>C on transcript NM_007186.6 (MANE Select); coding-DNA position 2531, T replaced by C.
Protein change: p.Leu844Ser; replaces leucine 844 with serine.
Molecular consequence: missense variant.
Genome position (GRCh38, 1-based): chr20:35,480,090, T>C. VCF-style: chr20-35480090-T-C. GRCh37 (hg19) VCF-style: chr20-34067915-T-C.
Other names: c.635T>C, p.Leu212Ser (NM_001318219.1); short protein forms L212S, L844S.
Identifiers: ClinVar variation 1007227 (VCV001007227.6), dbSNP rs747984135, ClinGen allele CA9833205.

ClinVar aggregate classification (germline): Uncertain significance (1 of 4 stars; one submission).

Allele frequency attached by ClinVar (database versions not stated): gnomAD 0.00001; gnomAD exomes 0.00001 and 0.00003; TOPMed 0.00002; ExAC 0.00003.
gnomAD v4.1: 47 of 1,612,638 alleles (0.0029%); highest among the groups gnomAD compares: Non-Finnish European, 0.0033%; no homozygotes.

Submission:

Labcorp Genetics (formerly Invitae), Labcorp
Classification: Uncertain significance. Last evaluated: 2022-02-04. Review status: criteria provided, single submitter. Criteria: Invitae Variant Classification Sherloc (09022015). Collection method: clinical testing. Allele origin: germline.
Comment: This sequence change replaces leucine, which is neutral and non-polar, with serine, which is neutral and polar, at codon 844 of the CEP250 protein (p.Leu844Ser). This variant is present in population databases (rs747984135, gnomAD 0.008%). This variant has not been reported in the literature in individuals affected with CEP250-related conditions. ClinVar contains an entry for this variant (Variation ID: 1007227). Algorithms developed to predict the effect of missense changes on protein structure and function are either unavailable or do not agree on the potential impact of this missense change (SIFT: "Not Available"; PolyPhen-2: "Probably Damaging"; Align-GVGD: "Not Available"). In summary, the available evidence is currently insufficient to determine the role of this variant in disease. Therefore, it has been classified as a Variant of Uncertain Significance.